The following is an entry in ClinVar:

NM_001369.3(DNAH5):c.12280G>T (p.Gly4094Ter)

Gene: DNAH5 (dynein axonemal heavy chain 5; minus strand). Cytogenetic location: 5p15.2.
Variant type: single nucleotide variant.
Coding change: c.12280G>T on transcript NM_001369.3 (MANE Select); coding-DNA position 12280, G replaced by T.
Protein change: p.Gly4094Ter; replaces glycine 4094 with a stop codon.
Molecular consequence: nonsense.
Genome position (GRCh38, 1-based): chr5:13,719,101, C>A on the plus strand (G>T on the coding strand, the complement: DNAH5 is on the minus strand). VCF-style: chr5-13719101-C-A. GRCh37 (hg19) VCF-style: chr5-13719210-C-A.
Other names: short protein forms G4094*.
Identifiers: ClinVar variation 5010554 (VCV005010554.1).

ClinVar aggregate classification (germline): Pathogenic (1 of 4 stars; one submission).

Conditions:
Primary ciliary dyskinesia 3. Identifiers: Orphanet 244, MedGen C1837618, MONDO:0012085, OMIM 608644.

Submission:

Myriad Genetics, Inc.
Classification: Pathogenic for Primary ciliary dyskinesia 3. Last evaluated: 2024-05-14. Review status: criteria provided, single submitter. Criteria: Myriad Autosomal Dominant, Autosomal Recessive and X-Linked Classification Criteria (2023). Collection method: clinical testing. Allele origin: unknown.
Comment: NM_001369.2(DNAH5):c.12280G>T(G4094*) is expected to be pathogenic in the context of primary ciliary dyskinesia, DNAH5-related. This variant is predicted to lead to an abnormal or absent protein product due to the creation of a premature termination codon in DNAH5, a gene where loss-of-function variants are known to be pathogenic. Please note: this variant was assessed in the context of healthy population screening.